The following is an entry in ClinVar:

ClinVar aggregate classification (germline): Uncertain significance. Review status: criteria provided, multiple submitters, no conflicts (2 of 4 stars). 2 submissions from 2 submitters: Uncertain significance (2). Last evaluated 2025-06-12.

Conditions:
Cardiovascular phenotype. Identifiers: MedGen CN230736.
Myofibrillar myopathy 5. Also called: Filaminopathy (type); FILAMINOPATHY, AUTOSOMAL DOMINANT. Identifiers: Orphanet 171445, MedGen C1836050, MONDO:0012289, OMIM 609524.
Distal myopathy with posterior leg and anterior hand involvement. Also called: WILLIAMS DISTAL MYOPATHY. Identifiers: Orphanet 63273, MedGen C3279722, MONDO:0013550, OMIM 614065.
Hypertrophic cardiomyopathy 26. Also called: Cardiomyopathy, familial hypertrophic, 26. Identifiers: Orphanet 75249, MedGen C4310749, MONDO:0014883, OMIM 617047.

Allele frequency attached by ClinVar (database versions not stated): gnomAD exomes below 0.00001; gnomAD 0.00001.

Submissions (2):

Labcorp Genetics (formerly Invitae), Labcorp
Classification: Uncertain significance for Distal myopathy with posterior leg and anterior hand involvement; Myofibrillar myopathy 5; Hypertrophic cardiomyopathy 26. Last evaluated: 2025-06-12. Review status: criteria provided, single submitter. Criteria: Invitae Variant Classification Sherloc (09022015). Collection method: clinical testing. Allele origin: germline.
Comment: This sequence change replaces methionine, which is neutral and non-polar, with valine, which is neutral and non-polar, at codon 2091 of the FLNC protein (p.Met2091Val). This variant is present in population databases (no rsID available, gnomAD 0.003%). This variant has not been reported in the literature in individuals affected with FLNC-related conditions. ClinVar contains an entry for this variant (Variation ID: 945969). Invitae Evidence Modeling of protein sequence and biophysical properties (such as structural, functional, and spatial information, amino acid conservation, physicochemical variation, residue mobility, and thermodynamic stability) has been performed for this missense variant. However, the output from this modeling did not meet the statistical confidence thresholds required to predict the impact of this variant on FLNC protein function. In summary, the available evidence is currently insufficient to determine the role of this variant in disease. Therefore, it has been classified as a Variant of Uncertain Significance.

Ambry Genetics
Classification: Uncertain significance for Cardiovascular phenotype. Last evaluated: 2024-03-10. Review status: criteria provided, single submitter. Criteria: Ambry Variant Classification Scheme 2023. Collection method: clinical testing. Allele origin: germline.
Comment: The p.M2091V variant (also known as c.6271A>G), located in coding exon 38 of the FLNC gene, results from an A to G substitution at nucleotide position 6271. The methionine at codon 2091 is replaced by valine, an amino acid with highly similar properties. This amino acid position is conserved. In addition, this alteration is predicted to be tolerated by in silico analysis. Based on the available evidence, the clinical significance of this alteration remains unclear.

NM_001458.5(FLNC):c.6271A>G (p.Met2091Val)

Genes: FLNC-AS1 (FLNC antisense RNA 1; minus strand), FLNC (filamin C; plus strand). Cytogenetic location: 7q32.1.
Variant type: single nucleotide variant.
Coding change: c.6271A>G on transcript NM_001458.5 (MANE Select); coding-DNA position 6271, A replaced by G.
Protein change: p.Met2091Val; replaces methionine 2091 with valine.
Molecular consequence: missense variant.
Genome position (GRCh38, 1-based): chr7:128,853,531, A>G. VCF-style: chr7-128853531-A-G. GRCh37 (hg19) VCF-style: chr7-128493585-A-G.
Other names: c.6172A>G, p.Met2058Val (NM_001127487.2); short protein forms M2058V, M2091V.
Identifiers: ClinVar variation 945969 (VCV000945969.11), dbSNP rs1438491751, ClinGen allele CA369211967.
Genomic context (GRCh38, chr7:128,853,531, plus strand): 5'-TATGGGGGCTTGGGGCTGAGTATTGAAGGCCCAAGCAAGGTGGACATCAACTGTGAGGAC[A>G]TGGAGGACGGGACATGCAAAGTCACCTACTGCCCCACCGAGCCCGGCACCTACATCATCA-3'
Protein context (NP_001449.3, residues 2081-2101): PSKVDINCED[Met2091Val]EDGTCKVTYC